The following is an entry in ClinVar:

NM_006514.4(SCN10A):c.2414G>T (p.Gly805Val)

Gene: SCN10A (sodium voltage-gated channel alpha subunit 10; minus strand). Cytogenetic location: 3p22.2.
Variant type: single nucleotide variant.
Coding change: c.2414G>T on transcript NM_006514.4 (MANE Select); coding-DNA position 2414, G replaced by T.
Protein change: p.Gly805Val; replaces glycine 805 with valine.
Molecular consequence: missense variant.
Genome position (GRCh38, 1-based): chr3:38,728,768, C>A on the plus strand (G>T on the coding strand, the complement: SCN10A is on the minus strand). VCF-style: chr3-38728768-C-A. GRCh37 (hg19) VCF-style: chr3-38770259-C-A.
Other names: c.2414G>T, p.Gly805Val (NM_001293306.2); c.2120G>T, p.Gly707Val (NM_001293307.2); short protein forms G805V, G707V.
Identifiers: ClinVar variation 574720 (VCV000574720.10), dbSNP rs779733116, ClinGen allele CA2320552.
Genomic context (GRCh38, chr3:38,728,768, plus strand): 5'-TCATGGGGCGCGGAGATATTTTTTCGGTTGTTACGGTAGTTTTCCCCTAGGAGCTGCTTG[C>A]CAACCAGAGCAAAGACAAAGACAATGATGGCCAGGATGATGGTGAGGTTCCCCAGTGCCC-3'
Protein context (NP_006505.4, residues 795-815): AIIVFVFALV[Gly805Val]KQLLGENYRN

ClinVar aggregate classification (germline): Uncertain significance. Review status: criteria provided, multiple submitters, no conflicts (2 of 4 stars). 3 submissions from 3 submitters: Uncertain significance (3). Last evaluated 2025-09-16.

Conditions:
Brugada syndrome. Also called: Sudden Unexplained Death Syndrome; Sudden Unexplained Nocturnal Death Syndrome (SUNDS); Sudden unexplained nocturnal death syndrome; Sudden unexpected nocturnal death syndrome. Identifiers: Orphanet 130, MedGen C1142166, MONDO:0015263.
Cardiovascular phenotype. Identifiers: MedGen CN230736.

Allele frequency attached by ClinVar (database versions not stated): TOPMed 0.00001; gnomAD 0.00003 and 0.00004.
gnomAD v4.1: 56 of 1,614,018 alleles (0.0035%); highest among the groups gnomAD compares: Non-Finnish European, 0.0046%; no homozygotes.

Submissions (3):

Labcorp Genetics (formerly Invitae), Labcorp
Classification: Uncertain significance for Brugada syndrome. Last evaluated: 2025-09-16. Review status: criteria provided, single submitter. Criteria: Invitae Variant Classification Sherloc (09022015). Collection method: clinical testing. Allele origin: germline.
Comment: This sequence change replaces glycine, which is neutral and non-polar, with valine, which is neutral and non-polar, at codon 805 of the SCN10A protein (p.Gly805Val). This variant is present in population databases (rs779733116, gnomAD 0.006%). This missense change has been observed in individual(s) with clinical features of SCN10A-related disease (PMID: 30177317). ClinVar contains an entry for this variant (Variation ID: 574720). Invitae Evidence Modeling of protein sequence and biophysical properties (such as structural, functional, and spatial information, amino acid conservation, physicochemical variation, residue mobility, and thermodynamic stability) indicates that this missense variant is expected to disrupt SCN10A protein function with a positive predictive value of 80%. In summary, the available evidence is currently insufficient to determine the role of this variant in disease. Therefore, it has been classified as a Variant of Uncertain Significance.

Ambry Genetics
Classification: Uncertain significance for Cardiovascular phenotype. Last evaluated: 2024-11-13. Review status: criteria provided, single submitter. Criteria: Ambry Variant Classification Scheme 2023. Collection method: clinical testing. Allele origin: germline.

GeneDx
Classification: Uncertain significance. Last evaluated: 2022-05-09. Review status: criteria provided, single submitter. Criteria: GeneDx Variant Classification Process June 2021. Collection method: clinical testing. Allele origin: germline. Affected: yes.
Comment: Identified in a patient with sudden cardiac arrest and an abnormal ECG (Di Stolfo et al., 2018); In silico analysis supports that this missense variant has a deleterious effect on protein structure/function; This variant is associated with the following publications: (PMID: 34426522, 30177317, 27535533, 26582918)

Literature cited by the submitters: PubMed 30177317 (cited by Labcorp Genetics (formerly Invitae), Labcorp).